The following is an entry in ClinVar:

ClinVar aggregate classification (germline): Uncertain significance (1 of 4 stars; one submission).

Submission:

GeneDx
Classification: Uncertain significance. Last evaluated: 2022-07-05. Review status: criteria provided, single submitter. Criteria: GeneDx Variant Classification Process June 2021. Collection method: clinical testing. Allele origin: germline. Affected: yes.
Comment: Not observed at significant frequency in large population cohorts (gnomAD); In silico analysis supports that this missense variant has a deleterious effect on protein structure/function; Has not been previously published as pathogenic or benign to our knowledge

NM_000458.4(HNF1B):c.475C>T (p.Pro159Ser)

Gene: HNF1B (HNF1 homeobox B; minus strand). Cytogenetic location: 17q12.
Variant type: single nucleotide variant.
Coding change: c.475C>T on transcript NM_000458.4 (MANE Select); coding-DNA position 475, C replaced by T.
Protein change: p.Pro159Ser; replaces proline 159 with serine.
Molecular consequence: missense variant.
Genome position (GRCh38, 1-based): chr17:37,739,509, G>A on the plus strand (C>T on the coding strand, the complement: HNF1B is on the minus strand). VCF-style: chr17-37739509-G-A. GRCh37 (hg19) VCF-style: chr17-36099500-G-A.
Other names: c.475C>T, p.Pro159Ser (NM_001165923.4, NM_001304286.2, NM_001411100.1); short protein forms P159S.
Identifiers: ClinVar variation 1810433 (VCV001810433.1), dbSNP rs2511828903, ClinGen allele CA398751319.